The following is an entry in ClinVar:

ClinVar aggregate classification (germline): Uncertain significance. Review status: criteria provided, multiple submitters, no conflicts (2 of 4 stars). 2 submissions from 2 submitters: Uncertain significance (2). Last evaluated 2024-06-07.

Conditions:
Inborn genetic diseases. Identifiers: MedGen C0950123, MeSH D030342.

Allele frequency attached by ClinVar (database versions not stated): ExAC 0.00001; TOPMed 0.00001; gnomAD 0.00002 and 0.00003; gnomAD exomes 0.00002.
gnomAD v4.1: 18 of 1,611,096 alleles (0.0011%); highest among the groups gnomAD compares: Middle Eastern, 0.016%; no homozygotes.

Submissions (2):

Ambry Genetics
Classification: Uncertain significance for Inborn genetic diseases. Last evaluated: 2024-06-07. Review status: criteria provided, single submitter. Criteria: Ambry Variant Classification Scheme 2023. Collection method: clinical testing. Allele origin: germline.

GeneDx
Classification: Uncertain significance. Last evaluated: 2021-01-12. Review status: criteria provided, single submitter. Criteria: GeneDx Variant Classification Process June 2021. Collection method: clinical testing. Allele origin: germline. Affected: yes.
Comment: In silico analysis supports that this missense variant has a deleterious effect on protein structure/function; Has not been previously published as pathogenic or benign to our knowledge

NM_005529.7(HSPG2):c.5135G>A (p.Arg1712His)

Gene: HSPG2 (heparan sulfate proteoglycan 2; minus strand). Cytogenetic location: 1p36.12.
Variant type: single nucleotide variant.
Coding change: c.5135G>A on transcript NM_005529.7 (MANE Select); coding-DNA position 5135, G replaced by A.
Protein change: p.Arg1712His; replaces arginine 1712 with histidine.
Molecular consequence: missense variant.
Genome position (GRCh38, 1-based): chr1:21,859,882, C>T on the plus strand (G>A on the coding strand, the complement: HSPG2 is on the minus strand). VCF-style: chr1-21859882-C-T. GRCh37 (hg19) VCF-style: chr1-22186375-C-T.
Other names: c.5138G>A, p.Arg1713His (NM_001291860.2); short protein forms R1712H, R1713H.
Identifiers: ClinVar variation 1254309 (VCV001254309.6), dbSNP rs771218611, ClinGen allele CA672052.